The following is an entry in ClinVar:

NM_006231.4(POLE):c.3918del (p.Ile1307fs)

Gene: POLE (DNA polymerase epsilon, catalytic subunit; minus strand). Cytogenetic location: 12q24.33.
Variant type: Deletion.
Coding change: c.3918del on transcript NM_006231.4 (MANE Select); coding-DNA position 3918, one base deleted (C; older notation c.3918delC).
Protein change: p.Ile1307fs; shifts the reading frame from isoleucine 1307.
Molecular consequence: frameshift variant.
Genome position (GRCh38, 1-based): chr12:132,649,393, G deleted on the plus strand (C on the coding strand, the reverse complement: POLE is on the minus strand); the first of 2 consecutive G bases (chr12:132,649,393-132,649,394); deleting either gives the same sequence. VCF-style (leftmost placement, unchanged base first): chr12-132649392-TG-T. GRCh37 (hg19) VCF-style: chr12-133225978-TG-T.
Other names: short protein forms I1307fs.
Identifiers: ClinVar variation 4733491 (VCV004733491.1).

ClinVar aggregate classification (germline): Pathogenic (1 of 4 stars; one submission).

Submission:

Labcorp Genetics (formerly Invitae), Labcorp
Classification: Pathogenic. Last evaluated: 2025-12-17. Review status: criteria provided, single submitter. Criteria: Invitae Variant Classification Sherloc (09022015). Collection method: clinical testing. Allele origin: germline.
Comment: This sequence change creates a premature translational stop signal (p.Ile1307Serfs*54) in the POLE gene. It is expected to result in an absent or disrupted protein product. Loss-of-function variants in POLE are known to be pathogenic (PMID: 23230001, 25948378, 30503519). This variant is not present in population databases (gnomAD no frequency). This variant has not been reported in the literature in individuals affected with POLE-related conditions. For these reasons, this variant has been classified as Pathogenic.

Literature cited by the submitters: PubMed 23230001; PubMed 25948378; PubMed 30503519.